The following is an entry in ClinVar:

NM_015474.4(SAMHD1):c.555dup (p.Gln186fs)

Gene: SAMHD1 (SAM and HD domain containing deoxynucleoside triphosphate triphosphohydrolase 1; minus strand). Cytogenetic location: 20q11.23.
Variant type: Duplication.
Coding change: c.555dup on transcript NM_015474.4 (MANE Select); coding-DNA position 555, one base duplicated (A; older notation c.555dupA).
Protein change: p.Gln186fs; shifts the reading frame from glutamine 186.
Molecular consequence: frameshift variant.
Genome position (GRCh38, 1-based): chr20:36,930,830, T duplicated on the plus strand (A on the coding strand, the reverse complement: SAMHD1 is on the minus strand); the first of 5 consecutive T bases (chr20:36,930,830-36,930,834); duplicating any one gives the same sequence. VCF-style (leftmost placement, unchanged base first): chr20-36930829-G-GT. GRCh37 (hg19) VCF-style: chr20-35559232-G-GT.
Other names: c.555dup, p.Gln186fs (NM_001363729.2, NM_001363733.2); short protein forms Q186fs.
Identifiers: ClinVar variation 2125618 (VCV002125618.4), dbSNP rs1641554114, ClinGen allele CA2362320125.

ClinVar aggregate classification (germline): Pathogenic (1 of 4 stars; one submission).

Conditions:
Aicardi-Goutieres syndrome 5. Identifiers: Orphanet 51, MedGen C2749659, MONDO:0013059, OMIM 612952.

Submission:

Labcorp Genetics (formerly Invitae), Labcorp
Classification: Pathogenic for Aicardi-Goutieres syndrome 5. Last evaluated: 2023-06-16. Review status: criteria provided, single submitter. Criteria: Invitae Variant Classification Sherloc (09022015). Collection method: clinical testing. Allele origin: germline.
Comment: For these reasons, this variant has been classified as Pathogenic. ClinVar contains an entry for this variant (Variation ID: 2125618). This variant has not been reported in the literature in individuals affected with SAMHD1-related conditions. This variant is not present in population databases (gnomAD no frequency). This sequence change creates a premature translational stop signal (p.Gln186Thrfs*8) in the SAMHD1 gene. It is expected to result in an absent or disrupted protein product. Loss-of-function variants in SAMHD1 are known to be pathogenic (PMID: 19525956, 22461318).

Literature cited by the submitters: PubMed 19525956; PubMed 22461318.